The following is an entry in ClinVar:

NM_001005242.3(PKP2):c.1608C>T (p.Asp536=)

Gene: PKP2 (plakophilin 2; minus strand). Cytogenetic location: 12p11.21.
Variant type: single nucleotide variant.
Coding change: c.1608C>T on transcript NM_001005242.3 (MANE Select); coding-DNA position 1608, C replaced by T.
Protein change: p.Asp536=; no amino-acid change (aspartic acid 536 retained).
Molecular consequence: synonymous variant.
Genome position (GRCh38, 1-based): chr12:32,824,111, G>A on the plus strand (C>T on the coding strand, the complement: PKP2 is on the minus strand). VCF-style: chr12-32824111-G-A. GRCh37 (hg19) VCF-style: chr12-32977045-G-A.
Other names: c.1740C>T, p.Asp580= (NM_004572.4).
Identifiers: ClinVar variation 45042 (VCV000045042.17), dbSNP rs397517006, ClinGen allele CA011348.

ClinVar aggregate classification (germline): Likely benign. Review status: criteria provided, multiple submitters, no conflicts (2 of 4 stars). 5 submissions from 5 submitters: Likely benign (5). Last evaluated 2025-08-26.

Conditions:
Cardiovascular phenotype. Identifiers: MedGen CN230736.
Cardiomyopathy (CMYO). Also called: Cardiomyopathies. Identifiers: Orphanet 167848, MedGen C0878544, MONDO:0004994, HP:0001638. Inheritance: Various modes of inheritance.
Arrhythmogenic right ventricular cardiomyopathy (ARVD). Also called: Arrhythmogenic right ventricular dysplasia; Arrhythmogenic cardiomyopathy; Arrhythmogenic Right Ventricular Cardiomyopathy (ARVC); Cardiomyopathy, ARVC. Identifiers: Orphanet 247, MedGen C0349788, MeSH D019571, MONDO:0016587. Disease mechanism: loss of function. Inheritance: Various modes of inheritance.
Arrhythmogenic right ventricular dysplasia 9 (ARVD9). Also called: ARRHYTHMOGENIC RIGHT VENTRICULAR DYSPLASIA, FAMILIAL, 9; Arrhythmogenic Right Ventricular Dysplasia/Cardiomyopathy 9. Identifiers: MedGen C1836906, MONDO:0012180, OMIM 609040.

Allele frequency attached by ClinVar (database versions not stated): gnomAD exomes below 0.00001; TOPMed 0.00001; gnomAD 0.00003 and 0.00004.
gnomAD v4.1: 7 of 1,613,174 alleles (0.00043%); highest among the groups gnomAD compares: African/African-American, 0.0053%; no homozygotes.

Submissions (5):

Labcorp Genetics (formerly Invitae), Labcorp
Classification: Likely benign for Arrhythmogenic right ventricular dysplasia 9. Last evaluated: 2025-08-26. Review status: criteria provided, single submitter. Criteria: Invitae Variant Classification Sherloc (09022015). Collection method: clinical testing. Allele origin: germline.

Ambry Genetics
Classification: Likely benign for Cardiovascular phenotype. Last evaluated: 2025-02-13. Review status: criteria provided, single submitter. Criteria: Ambry Variant Classification Scheme 2023. Collection method: clinical testing. Allele origin: germline.

All of Us Research Program, National Institutes of Health
Classification: Likely benign for Arrhythmogenic right ventricular cardiomyopathy. Last evaluated: 2023-08-15. Review status: criteria provided, single submitter. Criteria: ACMG Guidelines, 2015. Collection method: clinical testing. Allele origin: germline. Inheritance: Autosomal dominant inheritance. Observed: 1 variant allele, 1 heterozygote.
Comment: This study involves interpretation of variants in research participants for the purpose of population health screening. Participant phenotype was not available at the time of variant classification. Additional details can be found in publication PMID: 35346344, PMCID: PMC8962531

Color Diagnostics, LLC DBA Color Health
Classification: Likely benign for Cardiomyopathy. Last evaluated: 2020-01-10. Review status: criteria provided, single submitter. Criteria: ACMG Guidelines, 2015. Collection method: clinical testing. Allele origin: germline.

Laboratory for Molecular Medicine, Mass General Brigham Personalized Medicine
Classification: Likely benign. Last evaluated: 2012-08-20. Review status: criteria provided, single submitter. Criteria: LMM Criteria. Collection method: clinical testing. Allele origin: germline. Observed: 1 variant allele.
Comment: Asp580Asp in exon 8 of PKP2: This variant is not expected to have clinical signi ficance because it does not alter an amino acid residue and is not located withi n the splice consensus sequence.